The following is an entry in ClinVar:

NM_005654.6(NR2F1):c.361A>G (p.Thr121Ala)

Genes: NR2F1 (nuclear receptor subfamily 2 group F member 1; plus strand), NR2F1-AS1 (NR2F1 regulatory antisense RNA 1; minus strand). Cytogenetic location: 5q15.
Variant type: single nucleotide variant.
Coding change: c.361A>G on transcript NM_005654.6 (MANE Select); coding-DNA position 361, A replaced by G.
Protein change: p.Thr121Ala; replaces threonine 121 with alanine.
Molecular consequence: missense variant.
Genome position (GRCh38, 1-based): chr5:93,585,384, A>G. VCF-style: chr5-93585384-A-G. GRCh37 (hg19) VCF-style: chr5-92921090-A-G.
Other names: short protein forms T121A.
Identifiers: ClinVar variation 1715574 (VCV001715574.7), dbSNP rs2480802310, ClinGen allele CA360526109.
Genomic context (GRCh38, chr5:93,585,384, plus strand): 5'-TTCACCTGCGAGGGCTGCAAAAGTTTCTTCAAGAGGAGCGTCCGCAGGAACTTAACTTAC[A>G]CATGCCGTGCCAACAGGAACTGTCCCATCGACCAGCACCACCGCAACCAGTGCCAATACT-3'
Protein context (NP_005645.1, residues 111-131): KRSVRRNLTY[Thr121Ala]CRANRNCPID

ClinVar aggregate classification (germline): Uncertain significance. Review status: criteria provided, multiple submitters, no conflicts (2 of 4 stars). 2 submissions from 2 submitters: Uncertain significance (2). Last evaluated 2024-07-08.

Submissions (2):

Women's Health and Genetics/Laboratory Corporation of America, LabCorp
Classification: Uncertain significance. Last evaluated: 2024-07-08. Review status: criteria provided, single submitter. Criteria: LabCorp Variant Classification Summary - May 2015. Collection method: clinical testing. Allele origin: germline.
Comment: Variant summary: NR2F1 c.361A>G (p.Thr121Ala) results in a non-conservative amino acid change located in the Zinc finger, nuclear hormone receptor-type (IPR001628) of the encoded protein sequence. Four of five in-silico tools predict a damaging effect of the variant on protein function. The variant was absent in 251230 control chromosomes. The available data on variant occurrences in the general population are insufficient to allow any conclusion about variant significance. To our knowledge, no occurrence of c.361A>G in individuals affected with Bosch-Boonstra-Schaaf Optic Atrophy Syndrome and no experimental evidence demonstrating its impact on protein function have been reported. ClinVar contains an entry for this variant (Variation ID: 1715574). Based on the evidence outlined above, the variant was classified as uncertain significance.

Labcorp Genetics (formerly Invitae), Labcorp
Classification: Uncertain significance. Last evaluated: 2022-08-24. Review status: criteria provided, single submitter. Criteria: Invitae Variant Classification Sherloc (09022015). Collection method: clinical testing. Allele origin: germline.
Comment: In summary, the available evidence is currently insufficient to determine the role of this variant in disease. Therefore, it has been classified as a Variant of Uncertain Significance. Algorithms developed to predict the effect of missense changes on protein structure and function are either unavailable or do not agree on the potential impact of this missense change (SIFT: "Tolerated"; PolyPhen-2: "Possibly Damaging"; Align-GVGD: "Class C0"). This variant has not been reported in the literature in individuals affected with NR2F1-related conditions. This variant is not present in population databases (gnomAD no frequency). This sequence change replaces threonine, which is neutral and polar, with alanine, which is neutral and non-polar, at codon 121 of the NR2F1 protein (p.Thr121Ala).